The following is an entry in ClinVar:

ClinVar aggregate classification (germline): Uncertain significance. Review status: criteria provided, multiple submitters, no conflicts (2 of 4 stars). 4 submissions from 4 submitters: Uncertain significance (4). Last evaluated 2025-11-17.

Conditions:
Multiple endocrine neoplasia, type 2 (MEN2). Identifiers: Orphanet 653, MedGen C4048306, MONDO:0019003. Disease mechanism: gain of function.
Hereditary cancer-predisposing syndrome. Also called: Tumor predisposition; Hereditary Cancer Syndrome; Hereditary neoplastic syndrome; Neoplastic Syndromes, Hereditary. Identifiers: Orphanet 140162, MedGen C0027672, MeSH D009386, MONDO:0015356.
Familial hyperparathyroidism or Hypocalciuric hypercalcaemia.

Allele frequency attached by ClinVar (database versions not stated): gnomAD exomes 0.00001.
gnomAD v4.1: 10 of 1,612,694 alleles (0.00062%); highest among the groups gnomAD compares: South Asian, 0.0011%; no homozygotes.

Submissions (4):

Labcorp Genetics (formerly Invitae), Labcorp
Classification: Uncertain significance for Multiple endocrine neoplasia, type 2. Last evaluated: 2025-11-17. Review status: criteria provided, single submitter. Criteria: Invitae Variant Classification Sherloc (09022015). Collection method: clinical testing. Allele origin: germline.
Comment: This sequence change replaces glycine, which is neutral and non-polar, with arginine, which is basic and polar, at codon 823 of the RET protein (p.Gly823Arg). This variant is not present in population databases (gnomAD no frequency). This variant has not been reported in the literature in individuals affected with RET-related conditions. ClinVar contains an entry for this variant (Variation ID: 299898). An algorithm developed to predict the effect of missense changes on protein structure and function (PolyPhen-2) suggests that this variant is likely to be disruptive. In summary, the available evidence is currently insufficient to determine the role of this variant in disease. Therefore, it has been classified as a Variant of Uncertain Significance.

Ambry Genetics
Classification: Uncertain significance for Hereditary cancer-predisposing syndrome. Last evaluated: 2025-10-16. Review status: criteria provided, single submitter. Criteria: Ambry Variant Classification Scheme 2023. Collection method: clinical testing. Allele origin: germline.
Comment: The p.G823R variant (also known as c.2467G>A), located in coding exon 14 of the RET gene, results from a G to A substitution at nucleotide position 2467. The glycine at codon 823 is replaced by arginine, an amino acid with dissimilar properties. This amino acid position is highly conserved in available vertebrate species. In addition, this alteration is predicted to be deleterious by in silico analysis. Since supporting evidence is limited at this time, the clinical significance of this alteration remains unclear.

Cambridge Genomics Laboratory, East Genomic Laboratory Hub, NHS Genomic Medicine Service
Classification: Uncertain significance for Familial hyperparathyroidism or Hypocalciuric hypercalcaemia. Last evaluated: 2024-05-21. Review status: criteria provided, single submitter. Criteria: ACGS Best Practice Guidelines for Variant Classification in Rare Disease 2020. Collection method: clinical testing. Allele origin: germline. Affected: yes.
Comment: PM2

All of Us Research Program, National Institutes of Health
Classification: Uncertain significance for Multiple endocrine neoplasia, type 2. Last evaluated: 2024-04-16. Review status: criteria provided, single submitter. Criteria: ACMG Guidelines, 2015. Collection method: clinical testing. Allele origin: germline. Inheritance: Autosomal dominant inheritance. Observed: 3 variant alleles, 3 heterozygotes.
Comment: This missense variant replaces glycine with arginine at codon 823 of the RET protein. Computational prediction is inconclusive regarding the impact of this variant on protein structure and function (internally defined REVEL score threshold 0.5 < inconclusive < 0.7, PMID: 27666373). To our knowledge, functional studies have not been reported for this variant. This variant has been reported in two individuals from the unaffected control cohort for a study on individuals with cutaneous melanoma and at least two independent additional primary cancers (PMID: 29641532). This variant has not been identified in the general population by the Genome Aggregation Database (gnomAD). The available evidence is insufficient to determine the role of this variant in disease conclusively. Therefore, this variant is classified as a Variant of Uncertain Significance.

This study involves interpretation of variants in research participants for the purpose of population health screening. Participant phenotype was not available at the time of variant classification. Additional details can be found in publication PMID: 35346344, PMCID: PMC8962531

Literature cited by the submitters: PubMed 29641532 (cited by All of Us Research Program, National Institutes of Health).

NM_020975.6(RET):c.2467G>A (p.Gly823Arg)

Gene: RET (ret proto-oncogene; plus strand). Cytogenetic location: 10q11.21.
Variant type: single nucleotide variant.
Coding change: c.2467G>A on transcript NM_020975.6 (MANE Select); coding-DNA position 2467, G replaced by A.
Protein change: p.Gly823Arg; replaces glycine 823 with arginine.
Molecular consequence: missense variant.
Genome position (GRCh38, 1-based): chr10:43,119,605, G>A. VCF-style: chr10-43119605-G-A. GRCh37 (hg19) VCF-style: chr10-43615053-G-A.
Other names: c.2467G>A, p.Gly823Arg (NM_000323.2, NM_001406743.1, NM_001406744.1 and 4 more transcripts); c.1705G>A, p.Gly569Arg (NM_001355216.2); c.2338G>A, p.Gly780Arg (NM_001406761.1, NM_001406762.1, NM_001406764.1); c.2332G>A, p.Gly778Arg (NM_001406763.1, NM_001406765.1); c.2179G>A, p.Gly727Arg (NM_001406766.1, NM_001406767.1, NM_001406770.1); c.2203G>A, p.Gly735Arg (NM_001406768.1); c.2071G>A, p.Gly691Arg (NM_001406769.1, NM_001406772.1); c.2029G>A, p.Gly677Arg (NM_001406771.1, NM_001406773.1); and 10 more; short protein forms G823R, G569R, G479R, G493R, G340R, G481R, G524R, G581R.
Identifiers: ClinVar variation 299898 (VCV000299898.19), dbSNP rs138847998, ClinGen allele CA10635707.